The following is an entry in ClinVar:

ClinVar aggregate classification (germline): Conflicting classifications of pathogenicity. Review status: criteria provided, conflicting classifications (1 of 4 stars). 2 submissions from 2 submitters: Likely pathogenic (1); Uncertain significance (1). Last evaluated 2024-12-17.

Conditions:
SLC45A2-related disorder. Also called: SLC45A2-related condition.

Submissions (2):

GeneDx
Classification: Uncertain significance. Last evaluated: 2024-12-17. Review status: criteria provided, single submitter. Criteria: GeneDx Variant Classification Process June 2021. Collection method: clinical testing. Allele origin: germline. Affected: yes.
Comment: Not observed at significant frequency in large population cohorts (gnomAD); In silico analysis supports that this missense variant has a deleterious effect on protein structure/function; This variant is associated with the following publications: (PMID: 36553465, 23506898, Selvaraj2018[article], 18463683)

Blueprint Genetics
Classification: Likely pathogenic for SLC45A2-related disorders. Last evaluated: 2022-03-05. Review status: criteria provided, single submitter. Criteria: ACMG Guidelines, 2015. Collection method: clinical testing. Allele origin: germline. Affected: yes. Observed: 4 variant alleles.

NM_016180.5(SLC45A2):c.130G>A (p.Gly44Arg)

Gene: SLC45A2 (solute carrier family 45 member 2; minus strand). Cytogenetic location: 5p13.2.
Variant type: single nucleotide variant.
Coding change: c.130G>A on transcript NM_016180.5 (MANE Select); coding-DNA position 130, G replaced by A.
Protein change: p.Gly44Arg; replaces glycine 44 with arginine.
Molecular consequence: missense variant.
Genome position (GRCh38, 1-based): chr5:33,984,454, C>T on the plus strand (G>A on the coding strand, the complement: SLC45A2 is on the minus strand). VCF-style: chr5-33984454-C-T. GRCh37 (hg19) VCF-style: chr5-33984559-C-T.
Other names: c.130G>A, p.Gly44Arg (NM_001012509.4, NM_001297417.4); short protein forms G44R.
Identifiers: ClinVar variation 3906455 (VCV003906455.2).